The following is an entry in ClinVar:

NM_005419.4(STAT2):c.1658del (p.Phe553fs)

Gene: STAT2 (signal transducer and activator of transcription 2; minus strand). Cytogenetic location: 12q13.3.
Variant type: Deletion.
Coding change: c.1658del on transcript NM_005419.4 (MANE Select); coding-DNA position 1658, one base deleted (T; older notation c.1658delT).
Protein change: p.Phe553fs; shifts the reading frame from phenylalanine 553.
Molecular consequence: frameshift variant.
Genome position (GRCh38, 1-based): chr12:56,348,595, A deleted on the plus strand (T on the coding strand, the reverse complement: STAT2 is on the minus strand); the first of 2 consecutive A bases (chr12:56,348,595-56,348,596); deleting either gives the same sequence. VCF-style (leftmost placement, unchanged base first): chr12-56348594-GA-G. GRCh37 (hg19) VCF-style: chr12-56742378-GA-G.
Other names: c.1625del, p.Phe542fs (NM_001385110.1); c.1559del, p.Phe520fs (NM_001385111.1); c.1658del, p.Phe553fs (NM_001385113.1); c.1637del, p.Phe546fs (NM_001385114.1); c.1616del, p.Phe539fs (NM_001385115.1); c.1646del, p.Phe549fs (NM_198332.2); short protein forms F520fs, F539fs, F553fs, F542fs, F546fs, F549fs.
Identifiers: ClinVar variation 2753872 (VCV002753872.3), dbSNP rs2547248874, ClinGen allele CA2697559298.

ClinVar aggregate classification (germline): Pathogenic (1 of 4 stars; one submission).

Conditions:
Primary immunodeficiency with post-measles-mumps-rubella vaccine viral infection. Also called: Immunodeficiency 44. Identifiers: Orphanet 431166, MedGen C4225260, MONDO:0014715, OMIM 616636.

Submission:

Labcorp Genetics (formerly Invitae), Labcorp
Classification: Pathogenic for Primary immunodeficiency with post-measles-mumps-rubella vaccine viral infection. Last evaluated: 2024-02-23. Review status: criteria provided, single submitter. Criteria: Invitae Variant Classification Sherloc (09022015). Collection method: clinical testing. Allele origin: germline.
Comment: This sequence change creates a premature translational stop signal (p.Phe553Serfs*16) in the STAT2 gene. It is expected to result in an absent or disrupted protein product. Loss-of-function variants in STAT2 are known to be pathogenic (PMID: 23391734, 26122121). This variant is not present in population databases (gnomAD no frequency). This variant has not been reported in the literature in individuals affected with STAT2-related conditions. For these reasons, this variant has been classified as Pathogenic.

Literature cited by the submitters: PubMed 23391734; PubMed 26122121.